The following is an entry in ClinVar:

NM_001382391.1(CSPP1):c.1656_1657insA (p.Val553fs)

Gene: CSPP1 (centrosome and spindle pole associated protein 1; plus strand). Cytogenetic location: 8q13.2.
Variant type: Insertion.
Coding change: c.1656_1657insA on transcript NM_001382391.1 (MANE Select); coding-DNA positions 1656 to 1657, A inserted.
Protein change: p.Val553fs; shifts the reading frame from valine 553.
Molecular consequence: frameshift variant.
Genome position: GRCh38 VCF-style: chr8-67118780-T-TA. GRCh37 (hg19) VCF-style: chr8-68031015-T-TA.
Other names: c.759_760insA, p.Val254fs (NM_001291339.2); c.1575_1576insA, p.Val526fs (NM_001363131.2); c.1614_1615insA, p.Val539fs (NM_001363132.2); c.1533_1534insA, p.Val512fs (NM_001363133.2); c.1722_1723insA, p.Val575fs (NM_001364869.1); c.1542_1543insA, p.Val515fs (NM_001364870.1); c.1641_1642insA, p.Val548fs (NM_001438330.1, NM_001438331.1, NM_024790.7); c.1110_1111insA, p.Val371fs (NM_001438332.1); short protein forms V254fs, V553fs, V539fs, V512fs, V515fs, V526fs, V548fs, V575fs.
Identifiers: ClinVar variation 5007331 (VCV005007331.2).

ClinVar aggregate classification (germline): Pathogenic (1 of 4 stars; one submission).

Conditions:
Joubert syndrome 21 (JBTS21). Identifiers: MedGen C3810212, MONDO:0014288, OMIM 615636.

Submission:

Juno Genomics, Hangzhou Juno Genomics, Inc
Classification: Pathogenic for Joubert syndrome 21. Review status: criteria provided, single submitter. Criteria: ACMG Guidelines, 2015. Collection method: clinical testing. Allele origin: germline.
Comment: Absent from controls (or at extremely low frequency if recessive) in Genome Aggregation Database.;Null variant in a gene where loss of function (LOF) is a known mechanism of disease.;For recessive disorders, detected in trans with a pathogenic variant.